The following is an entry in ClinVar:

NM_022726.4(ELOVL4):c.60C>G (p.Asn20Lys)

Gene: ELOVL4 (ELOVL fatty acid elongase 4; minus strand). Cytogenetic location: 6q14.1.
Variant type: single nucleotide variant.
Coding change: c.60C>G on transcript NM_022726.4 (MANE Select); coding-DNA position 60, C replaced by G.
Protein change: p.Asn20Lys; replaces asparagine 20 with lysine.
Molecular consequence: missense variant.
Genome position (GRCh38, 1-based): chr6:79,947,220, G>C on the plus strand (C>G on the coding strand, the complement: ELOVL4 is on the minus strand). VCF-style: chr6-79947220-G-C. GRCh37 (hg19) VCF-style: chr6-80656937-G-C.
Other names: short protein forms N20K.
Identifiers: ClinVar variation 1404961 (VCV001404961.6), dbSNP rs1176653986, ClinGen allele CA364658814.

ClinVar aggregate classification (germline): Uncertain significance (1 of 4 stars; one submission).

Submission:

Labcorp Genetics (formerly Invitae), Labcorp
Classification: Uncertain significance. Last evaluated: 2023-08-17. Review status: criteria provided, single submitter. Criteria: Invitae Variant Classification Sherloc (09022015). Collection method: clinical testing. Allele origin: germline.
Comment: This variant has not been reported in the literature in individuals affected with ELOVL4-related conditions. ClinVar contains an entry for this variant (Variation ID: 1404961). An algorithm developed to predict the effect of missense changes on protein structure and function (PolyPhen-2) suggests that this variant is likely to be tolerated. This variant is not present in population databases (gnomAD no frequency). This sequence change replaces asparagine, which is neutral and polar, with lysine, which is basic and polar, at codon 20 of the ELOVL4 protein (p.Asn20Lys). In summary, the available evidence is currently insufficient to determine the role of this variant in disease. Therefore, it has been classified as a Variant of Uncertain Significance.